The following is an entry in ClinVar:

ClinVar aggregate classification (germline): Uncertain significance (1 of 4 stars; one submission).

Submission:

GeneDx
Classification: Uncertain significance. Last evaluated: 2022-03-22. Review status: criteria provided, single submitter. Criteria: GeneDx Variant Classification Process June 2021. Collection method: clinical testing. Allele origin: germline. Affected: yes.
Comment: Not observed at significant frequency in large population cohorts (gnomAD); In silico analysis supports that this missense variant has a deleterious effect on protein structure/function; Has not been previously published as pathogenic or benign to our knowledge; This variant is associated with the following publications: (PMID: 25512093, 25609763, 26100331)

NM_001376.5(DYNC1H1):c.6751G>A (p.Ala2251Thr)

Gene: DYNC1H1 (dynein cytoplasmic 1 heavy chain 1; plus strand). Cytogenetic location: 14q32.31.
Variant type: single nucleotide variant.
Coding change: c.6751G>A on transcript NM_001376.5 (MANE Select); coding-DNA position 6751, G replaced by A.
Protein change: p.Ala2251Thr; replaces alanine 2251 with threonine.
Molecular consequence: missense variant.
Genome position (GRCh38, 1-based): chr14:102,012,007, G>A. VCF-style: chr14-102012007-G-A. GRCh37 (hg19) VCF-style: chr14-102478344-G-A.
Other names: short protein forms A2251T.
Identifiers: ClinVar variation 1707160 (VCV001707160.2), dbSNP rs2503756690, ClinGen allele CA391057654.